The following is an entry in ClinVar:

ClinVar aggregate classification (germline): Uncertain significance (1 of 4 stars; one submission).

Conditions:
Hajdu-Cheney syndrome (HJCYS). Also called: Acroosteolysis dominant type; ACROOSTEOLYSIS WITH OSTEOPOROSIS AND CHANGES IN SKULL AND MANDIBLE; SERPENTINE FIBULA-POLYCYSTIC KIDNEY SYNDROME. Identifiers: Orphanet 955, MedGen C0917715, MONDO:0007057, OMIM 102500.

Submission:

Labcorp Genetics (formerly Invitae), Labcorp
Classification: Uncertain significance for Hajdu-Cheney syndrome. Last evaluated: 2022-06-22. Review status: criteria provided, single submitter. Criteria: Invitae Variant Classification Sherloc (09022015). Collection method: clinical testing. Allele origin: germline.
Comment: This sequence change replaces glycine, which is neutral and non-polar, with glutamic acid, which is acidic and polar, at codon 1657 of the NOTCH2 protein (p.Gly1657Glu). This variant is not present in population databases (gnomAD no frequency). This variant has not been reported in the literature in individuals affected with NOTCH2-related conditions. Advanced modeling of protein sequence and biophysical properties (such as structural, functional, and spatial information, amino acid conservation, physicochemical variation, residue mobility, and thermodynamic stability) performed at Invitae indicates that this missense variant is not expected to disrupt NOTCH2 protein function. In summary, the available evidence is currently insufficient to determine the role of this variant in disease. Therefore, it has been classified as a Variant of Uncertain Significance.

NM_024408.4(NOTCH2):c.4970G>A (p.Gly1657Glu)

Gene: NOTCH2 (notch receptor 2; minus strand). Cytogenetic location: 1p12.
Variant type: single nucleotide variant.
Coding change: c.4970G>A on transcript NM_024408.4 (MANE Select); coding-DNA position 4970, G replaced by A.
Protein change: p.Gly1657Glu; replaces glycine 1657 with glutamic acid.
Molecular consequence: missense variant.
Genome position (GRCh38, 1-based): chr1:119,922,668, C>T on the plus strand (G>A on the coding strand, the complement: NOTCH2 is on the minus strand). VCF-style: chr1-119922668-C-T. GRCh37 (hg19) VCF-style: chr1-120465291-C-T.
Other names: short protein forms G1657E.
Identifiers: ClinVar variation 2009444 (VCV002009444.4), dbSNP rs2101156022, ClinGen allele CA341887436.